The following is an entry in ClinVar:

ClinVar aggregate classification (germline): Uncertain significance (1 of 4 stars; one submission).

Allele frequency attached by ClinVar (database versions not stated): gnomAD exomes below 0.00001.

Submission:

Ambry Genetics
Classification: Uncertain significance. Last evaluated: 2024-03-11. Review status: criteria provided, single submitter. Criteria: Ambry Variant Classification Scheme 2023. Collection method: clinical testing. Allele origin: germline.
Comment: The p.R1172Q variant (also known as c.3515G>A), located in coding exon 31 of the KIF1B gene, results from a G to A substitution at nucleotide position 3515. The arginine at codon 1172 is replaced by glutamine, an amino acid with highly similar properties. This amino acid position is well conserved in available vertebrate species. In addition, this alteration is predicted to be tolerated by in silico analysis. Since supporting evidence is limited at this time, the clinical significance of this alteration remains unclear.

NM_001365951.3(KIF1B):c.3653G>A (p.Arg1218Gln)

Gene: KIF1B (kinesin family member 1B; plus strand). Cytogenetic location: 1p36.22.
Variant type: single nucleotide variant.
Coding change: c.3653G>A on transcript NM_001365951.3 (MANE Select); coding-DNA position 3653, G replaced by A.
Protein change: p.Arg1218Gln; replaces arginine 1218 with glutamine.
Molecular consequence: missense variant.
Genome position (GRCh38, 1-based): chr1:10,343,252, G>A. VCF-style: chr1-10343252-G-A. GRCh37 (hg19) VCF-style: chr1-10403310-G-A.
Other names: c.3653G>A, p.Arg1218Gln (NM_001365952.1); c.3515G>A, p.Arg1172Gln (NM_015074.3); short protein forms R1172Q, R1218Q.
Identifiers: ClinVar variation 1732198 (VCV001732198.2), dbSNP rs2102323732, ClinGen allele CA338342095.